The following is an entry in ClinVar:

NM_000293.3(PHKB):c.2825A>G (p.Tyr942Cys)

Gene: PHKB (phosphorylase kinase regulatory subunit beta; plus strand). Cytogenetic location: 16q12.1.
Variant type: single nucleotide variant.
Coding change: c.2825A>G on transcript NM_000293.3 (MANE Select); coding-DNA position 2825, A replaced by G.
Protein change: p.Tyr942Cys; replaces tyrosine 942 with cysteine.
Molecular consequence: missense variant.
Genome position (GRCh38, 1-based): chr16:47,693,437, A>G. VCF-style: chr16-47693437-A-G. GRCh37 (hg19) VCF-style: chr16-47727348-A-G.
Other names: c.2804A>G, p.Tyr935Cys (NM_001031835.3); c.2825A>G, p.Tyr942Cys (NM_001363837.1); short protein forms Y935C, Y942C.
Identifiers: ClinVar variation 2067698 (VCV002067698.4), dbSNP rs1405785504, ClinGen allele CA396100555.

ClinVar aggregate classification (germline): Uncertain significance (1 of 4 stars; one submission).

Conditions:
Glycogen storage disease IXb (GSD9B). Also called: PHOSPHORYLASE KINASE DEFICIENCY OF LIVER AND MUSCLE, AUTOSOMAL RECESSIVE; GLYCOGENOSIS OF LIVER AND MUSCLE, AUTOSOMAL RECESSIVE; GSD IXb. Identifiers: Orphanet 79240, MedGen C0543514, MONDO:0009868, OMIM 261750.

Allele frequency attached by ClinVar (database versions not stated): gnomAD exomes below 0.00001; TOPMed 0.00001.
gnomAD v4.1: 2 of 1,614,086 alleles (0.00012%); highest among the groups gnomAD compares: Non-Finnish European, 0.00017%; no homozygotes.

Submission:

Labcorp Genetics (formerly Invitae), Labcorp
Classification: Uncertain significance for Glycogen storage disease IXb. Last evaluated: 2022-05-14. Review status: criteria provided, single submitter. Criteria: Invitae Variant Classification Sherloc (09022015). Collection method: clinical testing. Allele origin: germline.
Comment: In summary, the available evidence is currently insufficient to determine the role of this variant in disease. Therefore, it has been classified as a Variant of Uncertain Significance. Algorithms developed to predict the effect of missense changes on protein structure and function (SIFT, PolyPhen-2, Align-GVGD) all suggest that this variant is likely to be disruptive. This variant has not been reported in the literature in individuals affected with PHKB-related conditions. This variant is present in population databases (no rsID available, gnomAD 0.0009%). This sequence change replaces tyrosine, which is neutral and polar, with cysteine, which is neutral and slightly polar, at codon 942 of the PHKB protein (p.Tyr942Cys).